The following is an entry in ClinVar:

ClinVar aggregate classification (germline): Likely benign. Review status: criteria provided, single submitter (1 of 4 stars). 2 submissions from 2 submitters: Likely benign (1). 1 of the submissions does not count toward it. Last evaluated 2024-04-14.

Conditions:
PLXNA1-related disorder. Also called: PLXNA1-related condition.

Allele frequency attached by ClinVar (database versions not stated): gnomAD 0.00012; TOPMed 0.00013; ExAC 0.00015; ESP Exome Variant Server 0.00023; 1000 Genomes Project 30x 0.00031; 1000 Genomes Project 0.00040.
gnomAD v4.1: 318 of 1,614,008 alleles (0.02%); highest among the groups gnomAD compares: South Asian, 0.078%; no homozygotes.

Submissions (2):

Labcorp Genetics (formerly Invitae), Labcorp
Classification: Likely benign. Last evaluated: 2024-04-14. Review status: criteria provided, single submitter. Criteria: Invitae Variant Classification Sherloc (09022015). Collection method: clinical testing. Allele origin: germline.

PreventionGenetics, part of Exact Sciences
Classification: Likely benign for PLXNA1-related condition. Last evaluated: 2022-02-09. Review status: no assertion criteria provided. Collection method: clinical testing. Allele origin: germline. Not counted in ClinVar's aggregate classification.
Comment: This variant is classified as likely benign based on ACMG/AMP sequence variant interpretation guidelines (Richards et al. 2015 PMID: 25741868, with internal and published modifications).

NM_032242.4(PLXNA1):c.3135C>T (p.Thr1045=)

Gene: PLXNA1 (plexin A1; plus strand). Cytogenetic location: 3q21.3.
Variant type: single nucleotide variant.
Coding change: c.3135C>T on transcript NM_032242.4 (MANE Select); coding-DNA position 3135, C replaced by T.
Protein change: p.Thr1045=; no amino-acid change (threonine 1045 retained).
Molecular consequence: synonymous variant.
Genome position (GRCh38, 1-based): chr3:127,016,637, C>T. VCF-style: chr3-127016637-C-T. GRCh37 (hg19) VCF-style: chr3-126735480-C-T.
Identifiers: ClinVar variation 3036186 (VCV003036186.4), dbSNP rs41266469, ClinGen allele CA2593903.